The following is an entry in ClinVar:

ClinVar aggregate classification (germline): Likely pathogenic (1 of 4 stars; one submission).

Submission:

Labcorp Genetics (formerly Invitae), Labcorp
Classification: Likely pathogenic. Last evaluated: 2025-07-09. Review status: criteria provided, single submitter. Criteria: Invitae Variant Classification Sherloc (09022015). Collection method: clinical testing. Allele origin: germline.
Comment: This sequence change affects an acceptor splice site in intron 24 of the SKIV2L gene. It is expected to disrupt RNA splicing. Variants that disrupt the donor or acceptor splice site typically lead to a loss of protein function (PMID: 16199547), and loss-of-function variants in SKIV2L are known to be pathogenic (PMID: 22444670). This variant is not present in population databases (gnomAD no frequency). This variant has not been reported in the literature in individuals affected with SKIV2L-related conditions. Algorithms developed to predict the effect of sequence changes on RNA splicing suggest that this variant may disrupt the consensus splice site. In summary, the currently available evidence indicates that the variant is pathogenic, but additional data are needed to prove that conclusively. Therefore, this variant has been classified as Likely Pathogenic.

Literature cited by the submitters: PubMed 16199547; PubMed 22444670.

NM_006929.5(SKIC2):c.3070-1G>A

Gene: SKIC2 (SKI2 subunit of superkiller complex; plus strand). Cytogenetic location: 6p21.33.
Variant type: single nucleotide variant.
Coding change: c.3070-1G>A on transcript NM_006929.5 (MANE Select); the canonical splice acceptor site of the intron before coding-DNA position 3070, G replaced by A.
Molecular consequence: splice acceptor variant.
Genome position (GRCh38, 1-based): chr6:31,968,685, G>A. VCF-style: chr6-31968685-G-A. GRCh37 (hg19) VCF-style: chr6-31936462-G-A.
Identifiers: ClinVar variation 4711728 (VCV004711728.1).